The following is an entry in ClinVar:

NM_001942.4(DSG1):c.1862C>G (p.Ala621Gly)

Genes: DSG1 (desmoglein 1; plus strand), DSG1-AS1 (DSG1 antisense RNA 1; minus strand). Cytogenetic location: 18q12.1.
Variant type: single nucleotide variant.
Coding change: c.1862C>G on transcript NM_001942.4 (MANE Select); coding-DNA position 1862, C replaced by G.
Protein change: p.Ala621Gly; replaces alanine 621 with glycine.
Molecular consequence: missense variant.
Genome position (GRCh38, 1-based): chr18:31,343,966, C>G. VCF-style: chr18-31343966-C-G. GRCh37 (hg19) VCF-style: chr18-28923929-C-G.
Other names: c.1862C>G (NM_001942.2); short protein forms A621G.
Identifiers: ClinVar variation 2441034 (VCV002441034.7), dbSNP rs1402549412, ClinGen allele CA402117594.
Genomic context (GRCh38, chr18:31,343,966, plus strand): 5'-TGTTGTTTCCTGTCTTTTAGGATATAACCACTGTCATACCACAAATACCACCTGATAACG[C>G]AAATATAATTGAATGCATTGACAACTCAGGTAAGAAAAAAGAATTTGTTTAACATCTCAA-3'
Protein context (NP_001933.2, residues 611-631): TVIPQIPPDN[Ala621Gly]NIIECIDNSG

ClinVar aggregate classification (germline): Uncertain significance. Review status: criteria provided, multiple submitters, no conflicts (2 of 4 stars). 3 submissions from 3 submitters: Uncertain significance (3). Last evaluated 2025-10-07.

Conditions:
Inborn genetic diseases. Identifiers: MedGen C0950123, MeSH D030342.

Allele frequency attached by ClinVar (database versions not stated): gnomAD exomes below 0.00001; TOPMed below 0.00001.
gnomAD v4.1: 1 of 1,613,054 alleles (0.000062%); highest among the groups gnomAD compares: Admixed American, 0.0017%; no homozygotes.

Submissions (3):

Ambry Genetics
Classification: Uncertain significance for Inborn genetic diseases. Last evaluated: 2025-10-07. Review status: criteria provided, single submitter. Criteria: Ambry Variant Classification Scheme 2023. Collection method: clinical testing. Allele origin: germline.

Labcorp Genetics (formerly Invitae), Labcorp
Classification: Uncertain significance. Last evaluated: 2024-09-05. Review status: criteria provided, single submitter. Criteria: Invitae Variant Classification Sherloc (09022015). Collection method: clinical testing. Allele origin: germline.
Comment: This sequence change replaces alanine, which is neutral and non-polar, with glycine, which is neutral and non-polar, at codon 621 of the DSG1 protein (p.Ala621Gly). This variant is present in population databases (no rsID available, gnomAD 0.003%). This variant has not been reported in the literature in individuals affected with DSG1-related conditions. ClinVar contains an entry for this variant (Variation ID: 2441034). An algorithm developed to predict the effect of missense changes on protein structure and function outputs the following: PolyPhen-2: "Benign". The glycine amino acid residue is found in multiple mammalian species, which suggests that this missense change does not adversely affect protein function. In summary, the available evidence is currently insufficient to determine the role of this variant in disease. Therefore, it has been classified as a Variant of Uncertain Significance.

Revvity Omics, Revvity
Classification: Uncertain significance. Last evaluated: 2022-06-23. Review status: criteria provided, single submitter. Criteria: ACMG Guidelines, 2015. Collection method: clinical testing. Allele origin: germline.